The following is an entry in ClinVar:

NM_004336.5(BUB1):c.2558A>T (p.Tyr853Phe)

Gene: BUB1 (BUB1 mitotic checkpoint serine/threonine kinase; minus strand). Cytogenetic location: 2q13.
Variant type: single nucleotide variant.
Coding change: c.2558A>T on transcript NM_004336.5 (MANE Select); coding-DNA position 2558, A replaced by T.
Protein change: p.Tyr853Phe; replaces tyrosine 853 with phenylalanine.
Molecular consequence: missense variant.
Genome position (GRCh38, 1-based): chr2:110,641,709, T>A on the plus strand (A>T on the coding strand, the complement: BUB1 is on the minus strand). VCF-style: chr2-110641709-T-A. GRCh37 (hg19) VCF-style: chr2-111399286-T-A.
Other names: c.2498A>T, p.Tyr833Phe (NM_001278616.2); c.2558A>T, p.Tyr853Phe (NM_001278617.2); short protein forms Y853F, Y833F.
Identifiers: ClinVar variation 1793033 (VCV001793033.3), dbSNP rs940408647, ClinGen allele CA348090321.

ClinVar aggregate classification (germline): Uncertain significance (1 of 4 stars; one submission).

gnomAD v4.1: 2 of 1,613,148 alleles (0.00012%); highest among the groups gnomAD compares: Non-Finnish European, 0.00017%; no homozygotes.

Submission:

Ambry Genetics
Classification: Uncertain significance. Last evaluated: 2024-06-04. Review status: criteria provided, single submitter. Criteria: Ambry Variant Classification Scheme 2023. Collection method: clinical testing. Allele origin: germline.
Comment: The p.Y853F variant (also known as c.2558A>T), located in coding exon 21 of the BUB1 gene, results from an A to T substitution at nucleotide position 2558. The tyrosine at codon 853 is replaced by phenylalanine, an amino acid with highly similar properties. This amino acid position is conserved. In addition, this alteration is predicted to be tolerated by in silico analysis. Since supporting evidence is limited at this time, the clinical significance of this alteration remains unclear.